The following is an entry in ClinVar:

NM_001283009.2(RTEL1):c.238C>G (p.Leu80Val)

Genes: RTEL1 (regulator of telomere elongation helicase 1; plus strand), RTEL1-TNFRSF6B (RTEL1-TNFRSF6B readthrough (NMD candidate); plus strand). Cytogenetic location: 20q13.33.
Variant type: single nucleotide variant.
Coding change: c.238C>G on transcript NM_001283009.2 (MANE Select); coding-DNA position 238, C replaced by G.
Protein change: p.Leu80Val; replaces leucine 80 with valine.
Molecular consequence: missense variant. On other transcripts: non-coding transcript variant (1), 5 prime UTR variant (1).
Genome position (GRCh38, 1-based): chr20:63,661,433, C>G. VCF-style: chr20-63661433-C-G. GRCh37 (hg19) VCF-style: chr20-62292786-C-G.
Other names: c.-432C>G (NM_001283010.1); c.238C>G, p.Leu80Val (NM_016434.4, NM_032957.5); short protein forms L80V.
Identifiers: ClinVar variation 3791116 (VCV003791116.1).
Genomic context (GRCh38, chr20:63,661,433, plus strand): 5'-CGAGAACACCTCCGAGACGGCATCTCTGCCCGCAAGATTGCCGAGAGGGCGCAAGGAGAG[C>G]TTTTCCCGGATCGGGCCTTGTCATCCTGGGGCAACGCTGCTGCTGCTGCTGGAGACCCCA-3'
Protein context (NP_001269938.1, residues 70-90): RKIAERAQGE[Leu80Val]FPDRALSSWG

ClinVar aggregate classification (germline): Uncertain significance (1 of 4 stars; one submission).

Conditions:
Inborn genetic diseases. Identifiers: MedGen C0950123, MeSH D030342.

Submission:

Ambry Genetics
Classification: Uncertain significance for Inborn genetic diseases. Last evaluated: 2025-02-03. Review status: criteria provided, single submitter. Criteria: Ambry Variant Classification Scheme 2023. Collection method: clinical testing. Allele origin: germline.
Comment: The p.L80V variant (also known as c.238C>G), located in coding exon 2 of the RTEL1 gene, results from a C to G substitution at nucleotide position 238. The leucine at codon 80 is replaced by valine, an amino acid with highly similar properties. This amino acid position is conserved. In addition, this alteration is predicted to be tolerated by in silico analysis. Based on the available evidence, the clinical significance of this variant remains unclear.